The following is an entry in ClinVar:

NM_004586.3(RPS6KA3):c.1798G>A (p.Asp600Asn)

Gene: RPS6KA3 (ribosomal protein S6 kinase A3; minus strand). Cytogenetic location: Xp22.12.
Variant type: single nucleotide variant.
Coding change: c.1798G>A on transcript NM_004586.3 (MANE Select); coding-DNA position 1798, G replaced by A.
Protein change: p.Asp600Asn; replaces aspartic acid 600 with asparagine.
Molecular consequence: missense variant.
Genome position (GRCh38, 1-based): chrX:20,163,007, C>T on the plus strand (G>A on the coding strand, the complement: RPS6KA3 is on the minus strand). VCF-style: chrX-20163007-C-T. GRCh37 (hg19) VCF-style: chrX-20181125-C-T.
Other names: short protein forms D600N.
Identifiers: ClinVar variation 392203 (VCV000392203.3), dbSNP rs1057524393, ClinGen allele CA16608385.

ClinVar aggregate classification (germline): Likely pathogenic (1 of 4 stars; one submission).

Submission:

GeneDx
Classification: Likely pathogenic. Last evaluated: 2020-01-20. Review status: criteria provided, single submitter. Criteria: GeneDx Variant Classification Process June 2021. Collection method: clinical testing. Allele origin: germline. Affected: yes.
Comment: Not observed in large population cohorts (Lek et al., 2016); In silico analysis, which includes protein predictors and evolutionary conservation, supports a deleterious effect; Has not been previously published as pathogenic or benign to our knowledge